The following is an entry in ClinVar:

GRCh38/hg38 9p24.3-11.1(chr9:1-42913807)x3

Genes: ACER2 (alkaline ceramidase 2; plus strand), ACO1 (aconitase 1; plus strand), ADAMTSL1 (ADAMTS like 1; plus strand), AK3 (adenylate kinase 3; minus strand), ALDH1B1 (aldehyde dehydrogenase 1 family member B1; plus strand) and 955 more. Cytogenetic location: 9p24.3-11.1.
Variant type: copy number gain.
Change: copy number 3 (three copies instead of two) of chr9:1-42,913,807 (42.91 Mb, GRCh38 coordinates, 1-based), cytogenetic band 9p24.3-11.1.
Identifiers: ClinVar variation 5038285 (VCV005038285.1).

ClinVar aggregate classification (germline): Pathogenic (1 of 4 stars; one submission).

Submission:

Clinical Genomics Laboratory, Laboratory for Precision Diagnostics, University of Washington
Classification: Pathogenic. Last evaluated: 2025-01-17. Review status: criteria provided, single submitter. Criteria: ACMG/ClinGen CNV Guidelines, 2019. Collection method: clinical testing. Allele origin: unknown. Affected: yes. Observed: 1 variant allele.
Comment: This duplication is approximately 43 Mb in size and contains 207 protein-coding genes. Individuals with Trisomy 9p present with variable features, depending on how much extra chromosome material is present. People with a third copy of the entire short arm of chromosome 9, but no additional material from the long arm, usually have mild to moderate intellectual disability, short stature, distinctive facial features that most commonly include a bulbous nose and down-turned corners of the mouth, and skeletal and hand anomalies such as short fingers and inward curvature (clinodactyly) of the fifth finger (PMID: 3976721; PMID: 31560494). Ventriculomegaly and kidney abnormalities are less common features of 9p but have been reported multiple times (PMID: 31560494, PMID: 32693209, PMID: 3976721).

Literature cited by the submitters: PubMed 31560494; PubMed 25526829; PubMed 32693209; PubMed 3976721.